The following is an entry in ClinVar:

NC_000017.10:g.(?_56780547)_(56787361_?)del

Gene: RAD51C (RAD51 paralog C; plus strand). Cytogenetic location: 17q22.
Variant type: Deletion.
Identifiers: ClinVar variation 2427173 (VCV002427173.3).

ClinVar aggregate classification (germline): Pathogenic (1 of 4 stars; one submission).

Conditions:
Fanconi anemia complementation group O. Also called: RAD51C-Related Fanconi Anemia. Identifiers: Orphanet 84, MedGen C3150653, MONDO:0013248, OMIM 613390.

Submission:

Labcorp Genetics (formerly Invitae), Labcorp
Classification: Pathogenic for Fanconi anemia complementation group O. Last evaluated: 2022-07-23. Review status: criteria provided, single submitter. Criteria: Invitae Variant Classification Sherloc (09022015). Collection method: clinical testing. Allele origin: germline.
Comment: This variant is a gross deletion of the genomic region encompassing exon(s) 4-5 of the RAD51C gene. This deletion is out-of-frame, and is expected to create a premature termination codon and result in an absent or disrupted protein product. Loss-of-function variants in RAD51C are known to be pathogenic (PMID: 20400964, 21990120, 24800917). This variant has not been reported in the literature in individuals affected with RAD51C-related conditions. For these reasons, this variant has been classified as Pathogenic.

Literature cited by the submitters: PubMed 20400964; PubMed 21990120; PubMed 24800917.